The following is an entry in ClinVar:

ClinVar aggregate classification (germline): Uncertain significance (1 of 4 stars; one submission).

gnomAD v4.1: 6 of 1,614,082 alleles (0.00037%); highest among the groups gnomAD compares: Non-Finnish European, 0.00051%; no homozygotes.

Submission:

GeneDx
Classification: Uncertain significance. Last evaluated: 2023-11-08. Review status: criteria provided, single submitter. Criteria: GeneDx Variant Classification Process June 2021. Collection method: clinical testing. Allele origin: germline. Affected: yes.
Comment: In silico analysis supports that this missense variant does not alter protein structure/function; Has not been previously published as pathogenic or benign to our knowledge

NM_001292034.3(TAB2):c.440G>A (p.Gly147Asp)

Gene: TAB2 (TGF-beta activated kinase 1 (MAP3K7) binding protein 2; plus strand). Cytogenetic location: 6q25.1.
Variant type: single nucleotide variant.
Coding change: c.440G>A on transcript NM_001292034.3 (MANE Select); coding-DNA position 440, G replaced by A.
Protein change: p.Gly147Asp; replaces glycine 147 with aspartic acid.
Molecular consequence: missense variant.
Genome position (GRCh38, 1-based): chr6:149,378,355, G>A. VCF-style: chr6-149378355-G-A. GRCh37 (hg19) VCF-style: chr6-149699491-G-A.
Other names: c.344G>A, p.Gly115Asp (NM_001292035.3); c.440G>A, p.Gly147Asp (NM_001369506.1, NM_015093.6); short protein forms G115D, G147D.
Identifiers: ClinVar variation 3364053 (VCV003364053.1).